The following is an entry in ClinVar:

NM_006231.4(POLE):c.41G>T (p.Gly14Val)

Genes: POLE (DNA polymerase epsilon, catalytic subunit; minus strand), LOC130009266 (ATAC-STARR-seq lymphoblastoid silent region 5123; plus strand). Cytogenetic location: 12q24.33.
Variant type: single nucleotide variant.
Coding change: c.41G>T on transcript NM_006231.4 (MANE Select); coding-DNA position 41, G replaced by T.
Protein change: p.Gly14Val; replaces glycine 14 with valine.
Molecular consequence: missense variant.
Genome position (GRCh38, 1-based): chr12:132,687,275, C>A on the plus strand (G>T on the coding strand, the complement: POLE is on the minus strand). VCF-style: chr12-132687275-C-A. GRCh37 (hg19) VCF-style: chr12-133263861-C-A.
Other names: short protein forms G14V.
Identifiers: ClinVar variation 1306641 (VCV001306641.7), dbSNP rs1052196814, ClinGen allele CA387373382.

ClinVar aggregate classification (germline): Uncertain significance. Review status: criteria provided, multiple submitters, no conflicts (2 of 4 stars). 3 submissions from 3 submitters: Uncertain significance (3). Last evaluated 2022-10-27.

Conditions:
Hereditary cancer-predisposing syndrome. Also called: Tumor predisposition; Neoplastic Syndromes, Hereditary; Hereditary Cancer Syndrome; Hereditary neoplastic syndrome. Identifiers: Orphanet 140162, MedGen C0027672, MeSH D009386, MONDO:0015356.

Submissions (3):

Ambry Genetics
Classification: Uncertain significance for Hereditary cancer-predisposing syndrome. Last evaluated: 2022-10-27. Review status: criteria provided, single submitter. Criteria: Ambry Variant Classification Scheme 2023. Collection method: clinical testing. Allele origin: germline.
Comment: The p.G14V variant (also known as c.41G>T), located in coding exon 1 of the POLE gene, results from a G to T substitution at nucleotide position 41. The glycine at codon 14 is replaced by valine, an amino acid with dissimilar properties. This amino acid position is conserved. In addition, this alteration is predicted to be tolerated by in silico analysis. Since supporting evidence is limited at this time, the clinical significance of this alteration remains unclear.

Labcorp Genetics (formerly Invitae), Labcorp
Classification: Uncertain significance. Last evaluated: 2022-08-19. Review status: criteria provided, single submitter. Criteria: Invitae Variant Classification Sherloc (09022015). Collection method: clinical testing. Allele origin: germline.
Comment: In summary, the available evidence is currently insufficient to determine the role of this variant in disease. Therefore, it has been classified as a Variant of Uncertain Significance. Algorithms developed to predict the effect of missense changes on protein structure and function (SIFT, PolyPhen-2, Align-GVGD) all suggest that this variant is likely to be tolerated. ClinVar contains an entry for this variant (Variation ID: 1306641). This variant has not been reported in the literature in individuals affected with POLE-related conditions. This variant is not present in population databases (gnomAD no frequency). This sequence change replaces glycine, which is neutral and non-polar, with valine, which is neutral and non-polar, at codon 14 of the POLE protein (p.Gly14Val).

GeneDx
Classification: Uncertain significance. Last evaluated: 2019-06-18. Review status: criteria provided, single submitter. Criteria: GeneDx Variant Classification Process June 2021. Collection method: clinical testing. Allele origin: germline. Affected: yes.
Comment: Not observed in large population cohorts (Lek et al., 2016); In silico analysis, which includes protein predictors and evolutionary conservation, supports that this variant does not alter protein structure/function; Has not been previously published as pathogenic or benign to our knowledge